The following is an entry in ClinVar:

ClinVar aggregate classification (germline): Pathogenic. Review status: criteria provided, single submitter (1 of 4 stars). 2 submissions from 2 submitters: Pathogenic (1). 1 of the submissions does not count toward it. Last evaluated 2018-03-16.

Conditions:
TMEM94-related disorder. Also called: TMEM94-related condition.
Intellectual developmental disorder with cardiac defects and dysmorphic facies (IDDCDF). Identifiers: Orphanet 562569, MedGen C5193024, MONDO:0032672, OMIM 618316.

Submissions (2):

Undiagnosed Diseases Network, NIH
Classification: Pathogenic for TMEM94-related condition. Last evaluated: 2018-03-16. Review status: criteria provided, single submitter. Criteria: ACMG Guidelines, 2015. Collection method: clinical testing. Allele origin: maternal. Inheritance: Autosomal recessive inheritance. Affected: yes. Observed: 1 variant allele, 1 compound heterozygote. Study: Undiagnosed Diseases Network (NIH), UDN.

OMIM
Classification: Pathogenic for INTELLECTUAL DEVELOPMENTAL DISORDER WITH CARDIAC DEFECTS AND DYSMORPHIC FACIES. Last evaluated: 2019-02-06. Review status: no assertion criteria provided. Collection method: literature only. Allele origin: germline. Not counted in ClinVar's aggregate classification.

Literature cited by the submitters: PubMed 30526868 (cited by OMIM).

NM_014738.6(TMEM94):c.2605dup (p.Met869fs)

Gene: TMEM94 (transmembrane protein 94; plus strand). Cytogenetic location: 17q25.1.
Variant type: Duplication.
Coding change: c.2605dup on transcript NM_014738.6 (MANE Select); coding-DNA position 2605, one base duplicated (A; older notation c.2605dupA).
Protein change: p.Met869fs; shifts the reading frame from methionine 869.
Molecular consequence: frameshift variant.
Genome position (GRCh38, 1-based): chr17:75,494,911, A duplicated; the last of 6 consecutive A bases (chr17:75,494,906-75,494,911); duplicating any one gives the same sequence. VCF-style (leftmost placement, unchanged base first): chr17-75494905-G-GA. GRCh37 (hg19) VCF-style: chr17-73490986-G-GA.
Other names: c.2635dup, p.Met879fs (NM_001321148.2); c.2617dup, p.Met873fs (NM_001321149.2); c.2557dup, p.Met853fs (NM_001351202.2); c.2632dup, p.Met878fs (NM_001351203.2); c.2635dupA (NM_001321148.1); short protein forms M853fs, M869fs, M873fs, M879fs, M878fs.
Identifiers: ClinVar variation 598743 (VCV000598743.4), dbSNP rs1163944538, ClinGen allele CA627594711.
Genomic context (GRCh38, chr17:75,494,905, plus strand): 5'-GTTTCCACGGGCTTTTGGGCCCGTATGTTCATGGCCGTCTGCCTTTCACAGGTGTTTGCA[G>GA]AAAAAATGGGCCTGGAGACAGGCTGGAACTGCCACATCTCCCTCACACCCAATGGTGACA-3'